The following is an entry in ClinVar:

NM_000051.4(ATM):c.8608_8618del (p.Asp2870fs)

Genes: ATM (ATM serine/threonine kinase; plus strand), C11orf65 (chromosome 11 open reading frame 65; minus strand). Cytogenetic location: 11q22.3.
Variant type: Deletion.
Coding change: c.8608_8618del on transcript NM_000051.4 (MANE Select); coding-DNA positions 8608 to 8618, 11 bases deleted (GATAGACATGT).
Protein change: p.Asp2870fs; shifts the reading frame from aspartic acid 2870.
Molecular consequence: frameshift variant. On other transcripts: intron variant (2).
Genome position (GRCh38, 1-based): chr11:108,347,302-108,347,312, GATAGACATGT deleted; deleting any 11 consecutive bases within chr11:108,347,300-108,347,312 gives the same sequence; the c. name uses the placement nearest the transcript's 3' end. VCF-style (leftmost placement, unchanged base first): chr11-108347299-GGTGATAGACAT-G. GRCh37 (hg19) VCF-style: chr11-108218026-GGTGATAGACAT-G.
Other names: c.8608_8618del, p.Asp2870fs (NM_001351834.2); c.641-38239_641-38229del (NM_001330368.2); c.695-12018_695-12008del (NM_001351110.2); short protein forms D2870fs.
Identifiers: ClinVar variation 3629471 (VCV003629471.2).
Genomic context (GRCh38, chr11:108,347,299, plus strand): 5'-GAATCAGTGATTTCAGATTGTTTGTTTCTTTTTTCTCCAGTTGGTTACATACTTGGACTT[GGTGATAGACAT>G]GTACAGAATATCTTGATAAATGAGCAGTCAGCAGAACTTGTACATATAGATCTAGGTAAG-3'

ClinVar aggregate classification (germline): Pathogenic (1 of 4 stars; one submission).

Conditions:
Ataxia-telangiectasia syndrome (AT). Also called: LOUIS-BAR SYNDROME; Cerebello-oculocutaneous telangiectasia; Immunodeficiency with ataxia telangiectasia; ATAXIA-TELANGIECTASIA, COMPLEMENTATION GROUP A; ATAXIA-TELANGIECTASIA, FRESNO VARIANT; Ataxia-telangiectasia. Identifiers: Orphanet 100, MedGen C0004135, MONDO:0008840, OMIM 208900.
Familial cancer of breast. Also called: BREAST CANCER, FAMILIAL; Hereditary breast cancer; hereditary breast carcinoma. Identifiers: Orphanet 227535, MedGen C0346153, MONDO:0016419, OMIM 114480. Disease mechanism: loss of function.

Submission:

Department of Clinical Genetics, Copenhagen University Hospital, Rigshospitalet
Classification: Pathogenic for Familial cancer of breast; Ataxia-telangiectasia syndrome. Last evaluated: 2025-02-04. Review status: criteria provided, single submitter. Criteria: ACMG Guidelines, 2015. Collection method: clinical testing. Allele origin: germline.
Comment: PVS1, PM2_SUP, PM5_SUP